The following is an entry in ClinVar:

NM_003823.4(TNFRSF6B):c.508C>G (p.Pro170Ala)

Genes: RTEL1-TNFRSF6B (RTEL1-TNFRSF6B readthrough (NMD candidate); plus strand), TNFRSF6B (TNF receptor superfamily member 6b; plus strand). Cytogenetic location: 20q13.33.
Variant type: single nucleotide variant.
Coding change: c.508C>G on transcript NM_003823.4 (MANE Select); coding-DNA position 508, C replaced by G.
Protein change: p.Pro170Ala; replaces proline 170 with alanine.
Molecular consequence: missense variant. On other transcripts: non-coding transcript variant (1).
Genome position (GRCh38, 1-based): chr20:63,697,411, C>G. VCF-style: chr20-63697411-C-G. GRCh37 (hg19) VCF-style: chr20-62328764-C-G.
Other names: short protein forms P170A.
Identifiers: ClinVar variation 1491383 (VCV001491383.8), dbSNP rs2145489056, ClinGen allele CA409711607.

ClinVar aggregate classification (germline): Uncertain significance (1 of 4 stars; one submission).

Submission:

Labcorp Genetics (formerly Invitae), Labcorp
Classification: Uncertain significance. Last evaluated: 2021-07-17. Review status: criteria provided, single submitter. Criteria: Invitae Variant Classification Sherloc (09022015). Collection method: clinical testing. Allele origin: germline.
Comment: This sequence change replaces proline with alanine at codon 170 of the TNFRSF6B protein (p.Pro170Ala). The proline residue is moderately conserved and there is a small physicochemical difference between proline and alanine. This variant is not present in population databases (ExAC no frequency). In summary, the available evidence is currently insufficient to determine the role of this variant in disease. Therefore, it has been classified as a Variant of Uncertain Significance. Algorithms developed to predict the effect of missense changes on protein structure and function (SIFT, PolyPhen-2, Align-GVGD) all suggest that this variant is likely to be tolerated. This variant has not been reported in the literature in individuals affected with TNFRSF6B-related conditions.